The following is an entry in ClinVar:

ClinVar aggregate classification (germline): Uncertain significance (1 of 4 stars; one submission).

Allele frequency attached by ClinVar (database versions not stated): gnomAD exomes below 0.00001; TOPMed below 0.00001.
gnomAD v4.1: 1 of 1,593,580 alleles (0.000063%); highest among the groups gnomAD compares: East Asian, 0.0023%; no homozygotes.

Submission:

Greenwood Genetic Center Diagnostic Laboratories, Greenwood Genetic Center
Classification: Uncertain significance. Last evaluated: 2023-06-29. Review status: criteria provided, single submitter. Criteria: ACMG Guidelines, 2015. Collection method: clinical testing. Allele origin: germline. Affected: yes.
Comment: PM2

NM_019842.4(KCNQ5):c.1819G>A (p.Val607Ile)

Gene: KCNQ5 (potassium voltage-gated channel subfamily Q member 5; plus strand). Cytogenetic location: 6q13.
Variant type: single nucleotide variant.
Coding change: c.1819G>A on transcript NM_019842.4 (MANE Select); coding-DNA position 1819, G replaced by A.
Protein change: p.Val607Ile; replaces valine 607 with isoleucine.
Molecular consequence: missense variant.
Genome position (GRCh38, 1-based): chr6:73,192,674, G>A. VCF-style: chr6-73192674-G-A. GRCh37 (hg19) VCF-style: chr6-73902397-G-A.
Other names: c.1792G>A, p.Val598Ile (NM_001160130.2); c.1849G>A, p.Val617Ile (NM_001160132.2); c.1876G>A, p.Val626Ile (NM_001160133.2); c.1489G>A, p.Val497Ile (NM_001160134.2); short protein forms V497I, V598I, V607I, V617I, V626I.
Identifiers: ClinVar variation 2572313 (VCV002572313.1), dbSNP rs1765635331, ClinGen allele CA364693717.